The following is an entry in ClinVar:

NM_004813.4(PEX16):c.458C>T (p.Pro153Leu)

Gene: PEX16 (peroxisomal biogenesis factor 16; minus strand). Cytogenetic location: 11p11.2.
Variant type: single nucleotide variant.
Coding change: c.458C>T on transcript NM_004813.4 (MANE Select); coding-DNA position 458, C replaced by T.
Protein change: p.Pro153Leu; replaces proline 153 with leucine.
Molecular consequence: missense variant.
Genome position (GRCh38, 1-based): chr11:45,915,470, G>A on the plus strand (C>T on the coding strand, the complement: PEX16 is on the minus strand). VCF-style: chr11-45915470-G-A. GRCh37 (hg19) VCF-style: chr11-45937021-G-A.
Other names: c.458C>T, p.Pro153Leu (NM_057174.3); short protein forms P153L.
Identifiers: ClinVar variation 854332 (VCV000854332.6), dbSNP rs779813719, ClinGen allele CA5959973.

ClinVar aggregate classification (germline): Uncertain significance (1 of 4 stars; one submission).

Conditions:
Peroxisome biogenesis disorder. Identifiers: Orphanet 79189, MedGen C1832200, MONDO:0019234. Disease mechanism: loss of function.

Allele frequency attached by ClinVar (database versions not stated): ExAC 0.00003; gnomAD exomes 0.00005; TOPMed 0.00006; gnomAD 0.00008 and 0.00009.

Submissions (3):

Labcorp Genetics (formerly Invitae), Labcorp
Classification: Uncertain significance for Peroxisome biogenesis disorder. Last evaluated: 2022-09-07. Review status: criteria provided, single submitter. Criteria: Invitae Variant Classification Sherloc (09022015). Collection method: clinical testing. Allele origin: germline.
Comment: This sequence change replaces proline, which is neutral and non-polar, with leucine, which is neutral and non-polar, at codon 153 of the PEX16 protein (p.Pro153Leu). This variant is present in population databases (rs779813719, gnomAD 0.009%). This variant has not been reported in the literature in individuals affected with PEX16-related conditions. ClinVar contains an entry for this variant (Variation ID: 854332). Algorithms developed to predict the effect of missense changes on protein structure and function output the following: SIFT: "Tolerated"; PolyPhen-2: "Benign"; Align-GVGD: "Class C0". The leucine amino acid residue is found in multiple mammalian species, which suggests that this missense change does not adversely affect protein function. In summary, the available evidence is currently insufficient to determine the role of this variant in disease. Therefore, it has been classified as a Variant of Uncertain Significance.

Dr. Peter K. Rogan Lab, Western University
No classification provided (evidence only). Condition: Colon adenocarcinoma. Review status: no classification provided. Collection method: in vitro. Allele origin: not applicable. Functional consequence: skipped exon. Not counted in ClinVar's aggregate classification.

Dr. Peter K. Rogan Lab, Western University
No classification provided (evidence only). Condition: Cervical cancer. Review status: no classification provided. Collection method: in vitro. Allele origin: not applicable. Functional consequence: skipped exon, retained intron. Not counted in ClinVar's aggregate classification.